The following is an entry in ClinVar:

ClinVar aggregate classification (germline): Uncertain significance (1 of 4 stars; one submission).

Conditions:
Neuronal ceroid lipofuscinosis. Also called: Neuronal Ceroid Lipofuscinoses. Identifiers: Orphanet 216, Orphanet 79263, MedGen C0027877, MONDO:0016295. Disease mechanism: loss of function.

Allele frequency attached by ClinVar (database versions not stated): TOPMed 0.00002; 1000 Genomes Project 30x 0.00016.
gnomAD v4.1: 5 of 1,614,250 alleles (0.00031%); highest among the groups gnomAD compares: African/African-American, 0.0053%; no homozygotes.

Submission:

Labcorp Genetics (formerly Invitae), Labcorp
Classification: Uncertain significance for Neuronal ceroid lipofuscinosis. Last evaluated: 2022-04-22. Review status: criteria provided, single submitter. Criteria: Invitae Variant Classification Sherloc (09022015). Collection method: clinical testing. Allele origin: germline.
Comment: This sequence change replaces serine, which is neutral and polar, with cysteine, which is neutral and slightly polar, at codon 187 of the CLN8 protein (p.Ser187Cys). The frequency data for this variant in the population databases is considered unreliable, as metrics indicate poor data quality at this position in the gnomAD database. This variant has not been reported in the literature in individuals affected with CLN8-related conditions. ClinVar contains an entry for this variant (Variation ID: 838733). Advanced modeling of protein sequence and biophysical properties (such as structural, functional, and spatial information, amino acid conservation, physicochemical variation, residue mobility, and thermodynamic stability) performed at Invitae indicates that this missense variant is not expected to disrupt CLN8 protein function. In summary, the available evidence is currently insufficient to determine the role of this variant in disease. Therefore, it has been classified as a Variant of Uncertain Significance.

NM_018941.4(CLN8):c.560C>G (p.Ser187Cys)

Gene: CLN8 (CLN8 transmembrane ER and ERGIC protein; plus strand). Cytogenetic location: 8p23.3.
Variant type: single nucleotide variant.
Coding change: c.560C>G on transcript NM_018941.4 (MANE Select); coding-DNA position 560, C replaced by G.
Protein change: p.Ser187Cys; replaces serine 187 with cysteine.
Molecular consequence: missense variant.
Genome position (GRCh38, 1-based): chr8:1,780,266, C>G. VCF-style: chr8-1780266-C-G. GRCh37 (hg19) VCF-style: chr8-1728432-C-G.
Other names: short protein forms S187C.
Identifiers: ClinVar variation 838733 (VCV000838733.3), dbSNP rs775174607, ClinGen allele CA170448614.